The following is an entry in ClinVar:

NM_001164508.2(NEB):c.19988del (p.Arg6663fs)

Gene: NEB (nebulin; minus strand). Cytogenetic location: 2q23.3.
Variant type: Deletion.
Coding change: c.19988del on transcript NM_001164508.2 (MANE Select); coding-DNA position 19988, one base deleted (G; older notation c.19988delG).
Protein change: p.Arg6663fs; shifts the reading frame from arginine 6663.
Molecular consequence: frameshift variant.
Genome position (GRCh38, 1-based): chr2:151,549,697, C deleted on the plus strand (G on the coding strand, the reverse complement: NEB is on the minus strand). VCF-style (leftmost placement, unchanged base first): chr2-151549696-TC-T. GRCh37 (hg19) VCF-style: chr2-152406210-TC-T.
Other names: NM_001164508.2(NEB):c.19988del; p.Arg6663fs; c.19988del, p.Arg6663fs (NM_001164507.2, NM_001271208.2); c.14885del, p.Arg4962fs (NM_004543.5); short protein forms R6663fs, R4962fs.
Identifiers: ClinVar variation 2135826 (VCV002135826.5), dbSNP rs1559808509, ClinGen allele CA536642828.

ClinVar aggregate classification (germline): Pathogenic/Likely pathogenic. Review status: criteria provided, multiple submitters, no conflicts (2 of 4 stars). 2 submissions from 2 submitters: Pathogenic (1); Likely pathogenic (1). Last evaluated 2025-03-06.

Conditions:
Nemaline myopathy. Also called: Myopathies, Nemaline. Identifiers: Orphanet 607, MedGen C0206157, MONDO:0018958.
Nemaline myopathy 2 (NEM2). Also called: Nemaline myopathy 2, autosomal recessive. Identifiers: MedGen C1850569, MONDO:0009725, OMIM 256030.

Allele frequency attached by ClinVar (database versions not stated): gnomAD exomes below 0.00001.

Submissions (2):

Broad Center for Mendelian Genomics, Broad Institute of MIT and Harvard
Classification: Likely pathogenic for Nemaline myopathy. Last evaluated: 2025-03-06. Review status: criteria provided, single submitter. Criteria: ACMG Guidelines, 2015. Collection method: curation. Allele origin: germline. Inheritance: Autosomal recessive inheritance.
Comment: The p.Arg6663AsnfsTer18 variant in NEB has not been previously reported in the literature in individuals with nemaline myopathy, but has been identified in 0.0004% (5/1173002) of European (non-Finnish) chromosomes by the Genome Aggregation Database (gnomAD; dbSNP ID: rs755153044). Although this variant has been seen in the general population in a heterozygous state, its frequency is low enough to be consistent with a recessive carrier frequency. This variant has also been reported in ClinVar (Variation ID: 2135826) and has been interpreted as pathogenic by Invitae. This variant is predicted to cause a frameshift, which alters the protein‚Äôs amino acid sequence beginning at position 6663 and leads to a premature termination codon 18 amino acids downstream. This alteration is then predicted to lead to a truncated or absent protein. Loss of function of the NEB gene is an established disease mechanism in autosomal recessive nemaline myopathy. In summary, although additional studies are required to fully establish its clinical significance, this variant is likely pathogenic for autosomal recessive nemaline myopathy. ACMG/AMP Criteria applied: PVS1, PM2_supporting (Richards 2015).

Labcorp Genetics (formerly Invitae), Labcorp
Classification: Pathogenic for Nemaline myopathy 2. Last evaluated: 2022-05-09. Review status: criteria provided, single submitter. Criteria: Invitae Variant Classification Sherloc (09022015). Collection method: clinical testing. Allele origin: germline.
Comment: For these reasons, this variant has been classified as Pathogenic. This variant has not been reported in the literature in individuals affected with NEB-related conditions. This variant is present in population databases (no rsID available, gnomAD 0.001%). This sequence change creates a premature translational stop signal (p.Arg6663Asnfs*18) in the NEB gene. It is expected to result in an absent or disrupted protein product. Loss-of-function variants in NEB are known to be pathogenic (PMID: 25205138).

Literature cited by the submitters: PubMed 25205138 (cited by Labcorp Genetics (formerly Invitae), Labcorp).